The following is an entry in ClinVar:

ClinVar aggregate classification (germline): Uncertain significance (1 of 4 stars; one submission).

Conditions:
Hereditary cancer-predisposing syndrome. Also called: Hereditary neoplastic syndrome; Hereditary Cancer Syndrome; Neoplastic Syndromes, Hereditary; Tumor predisposition. Identifiers: Orphanet 140162, MedGen C0027672, MeSH D009386, MONDO:0015356.

Submission:

Ambry Genetics
Classification: Uncertain significance for Hereditary cancer-predisposing syndrome. Last evaluated: 2023-05-31. Review status: criteria provided, single submitter. Criteria: Ambry Variant Classification Scheme 2023. Collection method: clinical testing. Allele origin: germline.
Comment: The p.T472A variant (also known as c.1414A>G), located in coding exon 6 of the BLM gene, results from an A to G substitution at nucleotide position 1414. The threonine at codon 472 is replaced by alanine, an amino acid with similar properties. This amino acid position is conserved. In addition, this alteration is predicted to be tolerated by in silico analysis. Since supporting evidence is limited at this time, the clinical significance of this alteration remains unclear.

NM_000057.4(BLM):c.1414A>G (p.Thr472Ala)

Gene: BLM (BLM RecQ like helicase; plus strand). Cytogenetic location: 15q26.1.
Variant type: single nucleotide variant.
Coding change: c.1414A>G on transcript NM_000057.4 (MANE Select); coding-DNA position 1414, A replaced by G.
Protein change: p.Thr472Ala; replaces threonine 472 with alanine.
Molecular consequence: missense variant.
Genome position (GRCh38, 1-based): chr15:90,760,787, A>G. VCF-style: chr15-90760787-A-G. GRCh37 (hg19) VCF-style: chr15-91304017-A-G.
Other names: c.1414A>G, p.Thr472Ala (NM_001287246.2, NM_001287247.2); c.289A>G, p.Thr97Ala (NM_001287248.2); short protein forms T472A, T97A.
Identifiers: ClinVar variation 2566850 (VCV002566850.2), dbSNP rs2505425407, ClinGen allele CA393843009.